The following is an entry in ClinVar:

NM_018834.6(MATR3):c.151C>T (p.Arg51Cys)

Gene: MATR3 (matrin 3; plus strand). Cytogenetic location: 5q31.2.
Variant type: single nucleotide variant.
Coding change: c.151C>T on transcript NM_018834.6 (MANE Select); coding-DNA position 151, C replaced by T.
Protein change: p.Arg51Cys; replaces arginine 51 with cysteine.
Molecular consequence: missense variant. On other transcripts: intron variant (11).
Genome position (GRCh38, 1-based): chr5:139,307,566, C>T. VCF-style: chr5-139307566-C-T. GRCh37 (hg19) VCF-style: chr5-138643255-C-T.
Other names: c.151C>T, p.Arg51Cys (NM_001194954.2, NM_001194955.2, NM_001400441.1 and 16 more transcripts); c.52-7109C>T (NM_001400459.1); c.-102-7109C>T (NM_001400463.1, NM_001400460.1, NM_001282278.2 and 3 more transcripts); c.-40-8131C>T (NM_001400462.1, NM_001400467.1); c.13-7109C>T (NM_001400461.1); c.49-7109C>T (NM_001194956.2); short protein forms R51C.
Identifiers: ClinVar variation 3620850 (VCV003620850.2).

ClinVar aggregate classification (germline): Uncertain significance (1 of 4 stars; one submission).

Conditions:
Amyotrophic lateral sclerosis type 21. Also called: VOCAL CORD AND PHARYNGEAL DYSFUNCTION WITH DISTAL MYOPATHY; MYOPATHY, DISTAL, 2. Identifiers: Orphanet 600, Orphanet 803, MedGen C3807521, MONDO:0011632, OMIM 606070.

Submission:

Labcorp Genetics (formerly Invitae), Labcorp
Classification: Uncertain significance for Amyotrophic lateral sclerosis type 21. Last evaluated: 2024-08-31. Review status: criteria provided, single submitter. Criteria: Invitae Variant Classification Sherloc (09022015). Collection method: clinical testing. Allele origin: germline.
Comment: This sequence change replaces arginine, which is basic and polar, with cysteine, which is neutral and slightly polar, at codon 51 of the MATR3 protein (p.Arg51Cys). This variant is not present in population databases (gnomAD no frequency). This variant has not been reported in the literature in individuals affected with MATR3-related conditions. Invitae Evidence Modeling of protein sequence and biophysical properties (such as structural, functional, and spatial information, amino acid conservation, physicochemical variation, residue mobility, and thermodynamic stability) indicates that this missense variant is expected to disrupt MATR3 protein function with a positive predictive value of 80%. In summary, the available evidence is currently insufficient to determine the role of this variant in disease. Therefore, it has been classified as a Variant of Uncertain Significance.